The following is an entry in ClinVar:

NM_014049.5(ACAD9):c.791G>A (p.Gly264Asp)

Gene: ACAD9 (acyl-CoA dehydrogenase family member 9; plus strand). Cytogenetic location: 3q21.3.
Variant type: single nucleotide variant.
Coding change: c.791G>A on transcript NM_014049.5 (MANE Select); coding-DNA position 791, G replaced by A.
Protein change: p.Gly264Asp; replaces glycine 264 with aspartic acid.
Molecular consequence: missense variant. On other transcripts: non-coding transcript variant (1).
Genome position (GRCh38, 1-based): chr3:128,899,444, G>A. VCF-style: chr3-128899444-G-A. GRCh37 (hg19) VCF-style: chr3-128618287-G-A.
Other names: c.422G>A, p.Gly141Asp (NM_001410805.1); short protein forms G141D, G264D.
Identifiers: ClinVar variation 2077424 (VCV002077424.4), dbSNP rs1576340774, ClinGen allele CA354434790.

ClinVar aggregate classification (germline): Uncertain significance (1 of 4 stars; one submission).

Allele frequency attached by ClinVar (database versions not stated): gnomAD exomes below 0.00001.
gnomAD v4.1: 1 of 1,614,058 alleles (0.000062%); highest among the groups gnomAD compares: African/African-American, 0.0013%; no homozygotes.

Submission:

Labcorp Genetics (formerly Invitae), Labcorp
Classification: Uncertain significance. Last evaluated: 2023-05-22. Review status: criteria provided, single submitter. Criteria: Invitae Variant Classification Sherloc (09022015). Collection method: clinical testing. Allele origin: germline.
Comment: This sequence change replaces glycine, which is neutral and non-polar, with aspartic acid, which is acidic and polar, at codon 264 of the ACAD9 protein (p.Gly264Asp). This variant is not present in population databases (gnomAD no frequency). This variant has not been reported in the literature in individuals affected with ACAD9-related conditions. ClinVar contains an entry for this variant (Variation ID: 2077424). Advanced modeling of protein sequence and biophysical properties (such as structural, functional, and spatial information, amino acid conservation, physicochemical variation, residue mobility, and thermodynamic stability) performed at Invitae indicates that this missense variant is expected to disrupt ACAD9 protein function. In summary, the available evidence is currently insufficient to determine the role of this variant in disease. Therefore, it has been classified as a Variant of Uncertain Significance.